The following is an entry in ClinVar:

NM_001376013.1(EPB41):c.822G>C (p.Gln274His)

Gene: EPB41 (erythrocyte membrane protein band 4.1; plus strand). Cytogenetic location: 1p35.3.
Variant type: single nucleotide variant.
Coding change: c.822G>C on transcript NM_001376013.1 (MANE Select); coding-DNA position 822, G replaced by C.
Protein change: p.Gln274His; replaces glutamine 274 with histidine.
Molecular consequence: missense variant.
Genome position (GRCh38, 1-based): chr1:29,011,900, G>C. VCF-style: chr1-29011900-G-C. GRCh37 (hg19) VCF-style: chr1-29338412-G-C.
Other names: c.822G>C, p.Gln274His (NM_001166005.2, NM_001166006.2, NM_001376014.1 and 7 more transcripts); c.195G>C, p.Gln65His (NM_001166007.2, NM_001376022.1, NM_001376023.1 and 7 more transcripts); c.717G>C, p.Gln239His (NM_203343.3); short protein forms Q239H, Q274H, Q65H.
Identifiers: ClinVar variation 5020716 (VCV005020716.1).
Genomic context (GRCh38, chr1:29,011,900, plus strand): 5'-TGAATGCCTTTTCTCCTTTTTACAGACATGGCTGGATTCCGCCAAAGAAATAAAAAAGCA[G>C]GTTCGTGGTAAGTGGATATAGCTCTTTTTATAGTTCTTTCTTTCTTTTAGTAGGTCAGAG-3'
Protein context (NP_001362942.1, residues 264-284): WLDSAKEIKK[Gln274His]VRGVPWNFTF

ClinVar aggregate classification (germline): Uncertain significance (1 of 4 stars; one submission).

Submission:

Dasa
Classification: Uncertain significance. Last evaluated: 2026-01-30. Review status: criteria provided, single submitter. Criteria: DASA Assertion Criteria. Collection method: clinical testing. Allele origin: germline.
Comment: NM_001376013.1(EPB41):c.822G>C (p.Gln274His) is a missense variant that results in the substitution of glutamine with histidine. This variant is rare in population databases. Computational prediction algorithms are consistent with a deleterious effect. The currently available literature and clinical evidence are not sufficient to establish a definitive association between this variant and the reported condition. Therefore, this variant is classified as a variant of uncertain significance.